The following is an entry in ClinVar:

ClinVar aggregate classification (germline): Likely benign. Review status: criteria provided, single submitter (1 of 4 stars). 2 submissions from 2 submitters: Likely benign (1). 1 of the submissions does not count toward it. Last evaluated 2023-08-29.

Conditions:
Peroxisome biogenesis disorder. Identifiers: Orphanet 79189, MedGen C1832200, MONDO:0019234. Disease mechanism: loss of function.
PEX6-related disorder. Also called: PEX6-related disorders; PEX6-related condition.

Submissions (2):

Labcorp Genetics (formerly Invitae), Labcorp
Classification: Likely benign for Peroxisome biogenesis disorder. Last evaluated: 2023-08-29. Review status: criteria provided, single submitter. Criteria: Invitae Variant Classification Sherloc (09022015). Collection method: clinical testing. Allele origin: germline.

PreventionGenetics, part of Exact Sciences
Classification: Likely benign for PEX6-related condition. Last evaluated: 2021-10-14. Review status: no assertion criteria provided. Collection method: clinical testing. Allele origin: germline. Not counted in ClinVar's aggregate classification.
Comment: This variant is classified as likely benign based on ACMG/AMP sequence variant interpretation guidelines (Richards et al. 2015 PMID: 25741868, with internal and published modifications).

NM_000287.4(PEX6):c.1524G>A (p.Glu508=)

Gene: PEX6 (peroxisomal biogenesis factor 6; minus strand). Cytogenetic location: 6p21.1.
Variant type: single nucleotide variant.
Coding change: c.1524G>A on transcript NM_000287.4 (MANE Select); coding-DNA position 1524, G replaced by A.
Protein change: p.Glu508=; no amino-acid change (glutamic acid 508 retained).
Molecular consequence: synonymous variant. On other transcripts: non-coding transcript variant (1).
Genome position (GRCh38, 1-based): chr6:42,968,454, C>T on the plus strand (G>A on the coding strand, the complement: PEX6 is on the minus strand). VCF-style: chr6-42968454-C-T. GRCh37 (hg19) VCF-style: chr6-42936192-C-T.
Other names: c.1260G>A, p.Glu420= (NM_001316313.2); c.1524G>A (NM_000287.3).
Identifiers: ClinVar variation 2818471 (VCV002818471.5), dbSNP rs2481225518, ClinGen allele CA450253878.